The following is an entry in ClinVar:

NM_001382391.1(CSPP1):c.2205del (p.Lys735fs)

Gene: CSPP1 (centrosome and spindle pole associated protein 1; plus strand). Cytogenetic location: 8q13.2.
Variant type: Deletion.
Coding change: c.2205del on transcript NM_001382391.1 (MANE Select); coding-DNA position 2205, one base deleted (A; older notation c.2205delA).
Protein change: p.Lys735fs; shifts the reading frame from lysine 735.
Molecular consequence: frameshift variant.
Genome position (GRCh38, 1-based): chr8:67,154,100, A deleted; the last of 3 consecutive A bases (chr8:67,154,098-67,154,100); deleting any one gives the same sequence. VCF-style (leftmost placement, unchanged base first): chr8-67154097-TA-T. GRCh37 (hg19) VCF-style: chr8-68066332-TA-T.
Other names: c.1155del, p.Lys385fs (NM_001291339.2); c.2124del, p.Lys708fs (NM_001363131.2); c.2010del, p.Lys670fs (NM_001363132.2); c.1929del, p.Lys643fs (NM_001363133.2); c.2271del, p.Lys757fs (NM_001364869.1); c.2091del, p.Lys697fs (NM_001364870.1); c.2190delA, p.Lys730Asnfs (NM_024790.7); short protein forms K643fs, K708fs, K697fs, K757fs, K385fs, K670fs, K730fs, K735fs.
Identifiers: ClinVar variation 2897889 (VCV002897889.3), dbSNP rs1826221738, ClinGen allele CA1114866161.
Genomic context (GRCh38, chr8:67,154,097, plus strand): 5'-ACAGAGCTCTCCTTTTGCTCGGGGAAATGTATTTGGTGAGCCTCCAACTGAACTTCAGAT[TA>T]AACAGCAAGAATTATACAAGAATTTTCTTCGTTTCCAGGTGAAATGCTATTTGATCAGTT-3'

ClinVar aggregate classification (germline): Pathogenic (1 of 4 stars; one submission).

Conditions:
Joubert syndrome 21 (JBTS21). Identifiers: MedGen C3810212, MONDO:0014288, OMIM 615636.

Submission:

Labcorp Genetics (formerly Invitae), Labcorp
Classification: Pathogenic for Joubert syndrome 21. Last evaluated: 2024-01-21. Review status: criteria provided, single submitter. Criteria: Invitae Variant Classification Sherloc (09022015). Collection method: clinical testing. Allele origin: germline.
Comment: This sequence change creates a premature translational stop signal (p.Lys730Asnfs*28) in the CSPP1 gene. It is expected to result in an absent or disrupted protein product. Loss-of-function variants in CSPP1 are known to be pathogenic (PMID: 24360807, 24360808). This variant is not present in population databases (gnomAD no frequency). This variant has not been reported in the literature in individuals affected with CSPP1-related conditions. For these reasons, this variant has been classified as Pathogenic.

Literature cited by the submitters: PubMed 24360807; PubMed 24360808.